The following is an entry in ClinVar:

ClinVar aggregate classification (germline): Uncertain significance. Review status: criteria provided, multiple submitters, no conflicts (2 of 4 stars). 2 submissions from 2 submitters: Uncertain significance (2). Last evaluated 2025-05-21.

Conditions:
Mendelian susceptibility to mycobacterial diseases due to complete IL12RB1 deficiency. Also called: IL12RB1 DEFICIENCY; Immunodeficiency 30. Identifiers: Orphanet 319552, MedGen C4013949, MONDO:0013955, OMIM 614891.
Inborn genetic diseases. Identifiers: MedGen C0950123, MeSH D030342.

Allele frequency attached by ClinVar (database versions not stated): TOPMed 0.00001; ESP Exome Variant Server 0.00008.
gnomAD v4.1: 3 of 1,609,372 alleles (0.00019%); highest among the groups gnomAD compares: African/African-American, 0.004%; no homozygotes.

Submissions (2):

Ambry Genetics
Classification: Uncertain significance for Inborn genetic diseases. Last evaluated: 2025-05-21. Review status: criteria provided, single submitter. Criteria: Ambry Variant Classification Scheme 2023. Collection method: clinical testing. Allele origin: germline.

Labcorp Genetics (formerly Invitae), Labcorp
Classification: Uncertain significance for Mendelian susceptibility to mycobacterial diseases due to complete IL12RB1 deficiency. Last evaluated: 2022-11-01. Review status: criteria provided, single submitter. Criteria: Invitae Variant Classification Sherloc (09022015). Collection method: clinical testing. Allele origin: germline.
Comment: This sequence change replaces aspartic acid, which is acidic and polar, with alanine, which is neutral and non-polar, at codon 163 of the IL12RB1 protein (p.Asp163Ala). This variant is present in population databases (rs374204463, gnomAD 0.007%). This variant has not been reported in the literature in individuals affected with IL12RB1-related conditions. ClinVar contains an entry for this variant (Variation ID: 971520). Advanced modeling of protein sequence and biophysical properties (such as structural, functional, and spatial information, amino acid conservation, physicochemical variation, residue mobility, and thermodynamic stability) performed at Invitae indicates that this missense variant is not expected to disrupt IL12RB1 protein function. In summary, the available evidence is currently insufficient to determine the role of this variant in disease. Therefore, it has been classified as a Variant of Uncertain Significance.

NM_005535.3(IL12RB1):c.488A>C (p.Asp163Ala)

Gene: IL12RB1 (interleukin 12 receptor subunit beta 1; minus strand). Cytogenetic location: 19p13.11.
Variant type: single nucleotide variant.
Coding change: c.488A>C on transcript NM_005535.3 (MANE Select); coding-DNA position 488, A replaced by C.
Protein change: p.Asp163Ala; replaces aspartic acid 163 with alanine.
Molecular consequence: missense variant.
Genome position (GRCh38, 1-based): chr19:18,077,577, T>G on the plus strand (A>C on the coding strand, the complement: IL12RB1 is on the minus strand). VCF-style: chr19-18077577-T-G. GRCh37 (hg19) VCF-style: chr19-18188387-T-G.
Other names: c.488A>C, p.Asp163Ala (NM_001290023.2, NM_153701.3); c.608A>C, p.Asp203Ala (NM_001290024.2); short protein forms D163A, D203A.
Identifiers: ClinVar variation 971520 (VCV000971520.8), dbSNP rs374204463, ClinGen allele CA306134210.